The following is an entry in ClinVar:

NM_032387.5(WNK4):c.2605dup (p.Thr869fs)

Gene: WNK4 (WNK lysine deficient protein kinase 4; plus strand). Cytogenetic location: 17q21.2.
Variant type: Duplication.
Coding change: c.2605dup on transcript NM_032387.5 (MANE Select); coding-DNA position 2605, one base duplicated (A; older notation c.2605dupA).
Protein change: p.Thr869fs; shifts the reading frame from threonine 869.
Molecular consequence: frameshift variant.
Genome position (GRCh38, 1-based): chr17:42,795,026, A duplicated. VCF-style (leftmost placement, unchanged base first): chr17-42795025-C-CA. GRCh37 (hg19) VCF-style: chr17-40947043-C-CA.
Other names: c.1597dup, p.Thr533fs (NM_001321299.2); c.2605dupA (NM_032387.5); short protein forms T533fs, T869fs.
Identifiers: ClinVar variation 3339585 (VCV003339585.1).

ClinVar aggregate classification (germline): Uncertain significance (1 of 4 stars; one submission).

Submission:

Women's Health and Genetics/Laboratory Corporation of America, LabCorp
Classification: Uncertain significance. Last evaluated: 2024-06-12. Review status: criteria provided, single submitter. Criteria: LabCorp Variant Classification Summary - May 2015. Collection method: clinical testing. Allele origin: germline.
Comment: Variant summary: WNK4 c.2605dupA (p.Thr869AsnfsX34) results in a premature termination codon, predicted to cause absence of the protein due to nonsense mediated decay, however the molecular mechanism of disease attributed to WNK4 is gain-of-function. The variant was absent in 251486 control chromosomes. The available data on variant occurrences in the general population are insufficient to allow any conclusion about variant significance. To our knowledge, no occurrence of c.2605dupA in individuals affected with Pseudohypoaldosteronism Type 2B and no experimental evidence demonstrating its impact on protein function have been reported. No submitters have cited clinical-significance assessments for this variant to ClinVar. Based on the evidence outlined above, the variant was classified as uncertain significance.